The following is an entry in ClinVar:

ClinVar aggregate classification (germline): Conflicting classifications of pathogenicity. Review status: criteria provided, conflicting classifications (1 of 4 stars). 4 submissions from 4 submitters: Uncertain significance (3); Likely benign (1). Last evaluated 2026-03-09.

Conditions:
Paramyotonia congenita of Von Eulenburg. Also called: Eulenburg disease; Myotonia congenita intermittens; Von Eulenburg paramyotonia congenita; PARALYSIS PERIODICA PARAMYOTONICA; Paramyotonia Congenita. Identifiers: Orphanet 684, MedGen C0221055, MONDO:0008195, OMIM 168300. Disease mechanism: loss of function.
Hyperkalemic periodic paralysis. Also called: Gamstorp disease; Familial hyperkalemic periodic paralysis. Identifiers: Orphanet 682, MedGen C0238357, MONDO:0008224, OMIM 170500, HP:0007215.

Allele frequency attached by ClinVar (database versions not stated): gnomAD 0.00003 and 0.00007; TOPMed 0.00005; gnomAD exomes 0.00013 and 0.00025; 1000 Genomes Project 30x 0.00031; ExAC 0.00031; 1000 Genomes Project 0.00040.
gnomAD v4.1: 210 of 1,614,016 alleles (0.013%); highest among the groups gnomAD compares: South Asian, 0.2%; 2 homozygotes.

Submissions (4):

GeneDx
Classification: Uncertain significance. Last evaluated: 2026-03-09. Review status: criteria provided, single submitter. Criteria: GeneDx Variant Classification Process June 2021. Collection method: clinical testing. Allele origin: germline.
Comment: In silico analysis suggests that this missense variant does not alter protein structure/function; Has not been previously published as pathogenic or benign to our knowledge

Labcorp Genetics (formerly Invitae), Labcorp
Classification: Likely benign for Hyperkalemic periodic paralysis. Last evaluated: 2026-01-14. Review status: criteria provided, single submitter. Criteria: Invitae Variant Classification Sherloc (09022015). Collection method: clinical testing. Allele origin: germline.

Revvity Omics, Revvity
Classification: Uncertain significance. Last evaluated: 2019-08-26. Review status: criteria provided, single submitter. Criteria: ACMG Guidelines, 2015. Collection method: clinical testing. Allele origin: germline.

Neuberg Centre For Genomic Medicine, NCGM
Classification: Uncertain significance for Paramyotonia congenita of Von Eulenburg. Review status: criteria provided, single submitter. Criteria: ACMG Guidelines, 2015. Collection method: clinical testing. Allele origin: germline. Inheritance: Autosomal dominant inheritance. Affected: yes.
Comment: The missense variant c.4201G>A (p.Val1401Met) in SCN4A gene has not been reported previously as a pathogenic variant nor as a benign variant, to our knowledge. This variant has been reported to the ClinVar database as Uncertain Significance. The p.Val1401Met variant is novel (not in any individuals) in 1000 Genomes and allele frequency of 0.02471% is reported in gnomAD. The amino acid Val at position 1401 is changed to a Met changing protein sequence and it might alter its composition and physico-chemical properties. The variant is predicted to be damaging by SIFT and the residue is conserved across species. The amino acid change p.Val1401Met in SCN4A is predicted as conserved by GERP++. The methionine amino acid residue is found in multiple mammalian species, suggesting that this missense change does not adversely affect protein function. For these reasons, this variant has been classified as Uncertain Significance .

NM_000334.4(SCN4A):c.4201G>A (p.Val1401Met)

Genes: GH-LCR (growth hormone locus control region; plus strand), SCN4A (sodium voltage-gated channel alpha subunit 4; minus strand). Cytogenetic location: 17q23.3.
Variant type: single nucleotide variant.
Coding change: c.4201G>A on transcript NM_000334.4 (MANE Select); coding-DNA position 4201, G replaced by A.
Protein change: p.Val1401Met; replaces valine 1401 with methionine.
Molecular consequence: missense variant.
Genome position (GRCh38, 1-based): chr17:63,942,913, C>T on the plus strand (G>A on the coding strand, the complement: SCN4A is on the minus strand). VCF-style: chr17-63942913-C-T. GRCh37 (hg19) VCF-style: chr17-62020273-C-T.
Other names: short protein forms V1401M.
Identifiers: ClinVar variation 655145 (VCV000655145.14), dbSNP rs572380012, ClinGen allele CA8709040.